The following is an entry in ClinVar:

ClinVar aggregate classification (germline): Conflicting classifications of pathogenicity. Review status: criteria provided, conflicting classifications (1 of 4 stars). 3 submissions from 3 submitters: Likely pathogenic (1); Uncertain significance (2). Last evaluated 2026-04-17.

Conditions:
Polycystic kidney disease, adult type (PKD1). Also called: Polycystic Kidney Disease 1, Autosomal Dominant; Polycystic kidney disease 1; Polycystic kidney disease 1, severe; POLYCYSTIC KIDNEY DISEASE, ADULT, TYPE I; Polycystic Kidney, Autosomal Dominant; POLYCYSTIC KIDNEY DISEASE 1 WITH OR WITHOUT POLYCYSTIC LIVER DISEASE. Identifiers: MedGen C3149841, MONDO:0008263, OMIM 173900.

gnomAD v4.1: 1 of 1,611,710 alleles (0.000062%); highest among the groups gnomAD compares: African/African-American, 0.0013%; no homozygotes.

Submissions (3):

Women's Health and Genetics/Laboratory Corporation of America, LabCorp
Classification: Uncertain significance. Last evaluated: 2026-04-17. Review status: criteria provided, single submitter. Criteria: LabCorp Variant Classification Summary - May 2015. Collection method: clinical testing. Allele origin: germline.
Comment: Variant summary: PKD1 c.11243G>C (p.Arg3748Pro) results in a non-conservative amino acid change in the encoded protein sequence. Algorithms developed to predict the effect of missense changes on protein structure and function all suggest that this variant is likely to be disruptive. The variant was absent in 247632 control chromosomes. c.11243G>C has been observed in an individual affected with Polycystic Kidney Disease 1 and was found to segregate with disease (example: Seo_2020). These data indicate that the variant may be associated with disease. To our knowledge, no experimental evidence demonstrating an impact on protein function has been reported. The following publication has been ascertained in the context of this evaluation (PMID: 32901917). ClinVar contains an entry for this variant (Variation ID: 1312446). Based on the evidence outlined above, the variant was classified as VUS-possibly pathogenic.

GeneDx
Classification: Uncertain significance. Last evaluated: 2025-01-13. Review status: criteria provided, single submitter. Criteria: GeneDx Variant Classification Process June 2021. Collection method: clinical testing. Allele origin: germline. Affected: yes.
Comment: Reported in a patient with renal cyst in published literature (PMID: 32901917); Not observed at significant frequency in large population cohorts (gnomAD); In silico analysis supports that this missense variant has a deleterious effect on protein structure/function; This variant is associated with the following publications: (PMID: 32901917)

Fulgent Genetics
Classification: Likely pathogenic for Polycystic kidney disease, adult type. Last evaluated: 2024-03-19. Review status: criteria provided, single submitter. Criteria: ACMG Guidelines, 2015. Collection method: clinical testing. Allele origin: germline.

Literature cited by the submitters: PubMed 32901917 (cited by Women's Health and Genetics/Laboratory Corporation of America, LabCorp); PubMed 39504961 (cited by Women's Health and Genetics/Laboratory Corporation of America, LabCorp).

NM_001009944.3(PKD1):c.11243G>C (p.Arg3748Pro)

Genes: PKD1 (polycystin 1, transient receptor potential channel interacting; minus strand), PKD1-AS1 (PKD1 antisense RNA 1; plus strand). Cytogenetic location: 16p13.3.
Variant type: single nucleotide variant.
Coding change: c.11243G>C on transcript NM_001009944.3 (MANE Select); coding-DNA position 11243, G replaced by C.
Protein change: p.Arg3748Pro; replaces arginine 3748 with proline.
Molecular consequence: missense variant.
Genome position (GRCh38, 1-based): chr16:2,092,506, C>G on the plus strand (G>C on the coding strand, the complement: PKD1 is on the minus strand). VCF-style: chr16-2092506-C-G. GRCh37 (hg19) VCF-style: chr16-2142507-C-G.
Other names: c.11240G>C, p.Arg3747Pro (NM_000296.4); short protein forms R3747P, R3748P.
Identifiers: ClinVar variation 1312446 (VCV001312446.8), dbSNP rs546924823, ClinGen allele CA394336186.